The following is an entry in ClinVar:

ClinVar aggregate classification (germline): Uncertain significance (1 of 4 stars; one submission).

Submission:

Labcorp Genetics (formerly Invitae), Labcorp
Classification: Uncertain significance. Last evaluated: 2024-10-07. Review status: criteria provided, single submitter. Criteria: Invitae Variant Classification Sherloc (09022015). Collection method: clinical testing. Allele origin: germline.
Comment: This sequence change replaces glutamic acid, which is acidic and polar, with glutamine, which is neutral and polar, at codon 54 of the NPR3 protein (p.Glu54Gln). This variant is not present in population databases (gnomAD no frequency). This variant has not been reported in the literature in individuals affected with NPR3-related conditions. ClinVar contains an entry for this variant (Variation ID: 1369908). An algorithm developed to predict the effect of missense changes on protein structure and function outputs the following: PolyPhen-2: "Benign". The glutamine amino acid residue is found in multiple mammalian species, which suggests that this missense change does not adversely affect protein function. In summary, the available evidence is currently insufficient to determine the role of this variant in disease. Therefore, it has been classified as a Variant of Uncertain Significance.

NM_001204375.2(NPR3):c.160G>C (p.Glu54Gln)

Genes: NPR3 (natriuretic peptide receptor 3; plus strand), LOC123493284 (Sharpr-MPRA regulatory region 158; plus strand). Cytogenetic location: 5p13.3.
Variant type: single nucleotide variant.
Coding change: c.160G>C on transcript NM_001204375.2 (MANE Select); coding-DNA position 160, G replaced by C.
Protein change: p.Glu54Gln; replaces glutamic acid 54 with glutamine.
Molecular consequence: missense variant. On other transcripts: intron variant (4).
Genome position (GRCh38, 1-based): chr5:32,711,936, G>C. VCF-style: chr5-32711936-G-C. GRCh37 (hg19) VCF-style: chr5-32712042-G-C.
Other names: c.160G>C, p.Glu54Gln (NM_000908.4); c.50-12762G>C (NM_001364458.2); c.121+1153G>C (NM_001363652.2, NM_001204376.2, NM_001364460.2); short protein forms E54Q.
Identifiers: ClinVar variation 1369908 (VCV001369908.8), dbSNP rs1460036658, ClinGen allele CA359466304.